The following is an entry in ClinVar:

NM_016816.4(OAS1):c.747C>G (p.Phe249Leu)

Gene: OAS1 (2'-5'-oligoadenylate synthetase 1; plus strand). Cytogenetic location: 12q24.13.
Variant type: single nucleotide variant.
Coding change: c.747C>G on transcript NM_016816.4 (MANE Select); coding-DNA position 747, C replaced by G.
Protein change: p.Phe249Leu; replaces phenylalanine 249 with leucine.
Molecular consequence: missense variant. On other transcripts: non-coding transcript variant (9).
Genome position (GRCh38, 1-based): chr12:112,916,601, C>G. VCF-style: chr12-112916601-C-G. GRCh37 (hg19) VCF-style: chr12-113354406-C-G.
Other names: c.747C>G, p.Phe249Leu (NM_001032409.3, NM_001320151.2, NM_001406022.1 and 2 more transcripts); c.723C>G, p.Phe241Leu (NM_001406020.1, NM_001406021.1, NM_001406023.1 and 2 more transcripts); c.273C>G, p.Phe91Leu (NM_001406026.1, NM_001406027.1, NM_001406029.1 and 1 more transcripts); short protein forms F249L, F241L, F91L.
Identifiers: ClinVar variation 2858370 (VCV002858370.3), dbSNP rs756683848, ClinGen allele CA243752418.

ClinVar aggregate classification (germline): Uncertain significance (1 of 4 stars; one submission).

Allele frequency attached by ClinVar (database versions not stated): gnomAD exomes below 0.00001.
gnomAD v4.1: 4 of 1,614,192 alleles (0.00025%); highest among the groups gnomAD compares: Non-Finnish European, 0.00025%; no homozygotes.

Submission:

Labcorp Genetics (formerly Invitae), Labcorp
Classification: Uncertain significance. Last evaluated: 2023-04-22. Review status: criteria provided, single submitter. Criteria: Invitae Variant Classification Sherloc (09022015). Collection method: clinical testing. Allele origin: germline.
Comment: This sequence change replaces phenylalanine, which is neutral and non-polar, with leucine, which is neutral and non-polar, at codon 249 of the OAS1 protein (p.Phe249Leu). This variant is not present in population databases (gnomAD no frequency). This variant has not been reported in the literature in individuals affected with OAS1-related conditions. An algorithm developed to predict the effect of missense changes on protein structure and function (PolyPhen-2) suggests that this variant is likely to be disruptive. In summary, the available evidence is currently insufficient to determine the role of this variant in disease. Therefore, it has been classified as a Variant of Uncertain Significance.